The following is an entry in ClinVar:

ClinVar aggregate classification (germline): Uncertain significance. Review status: criteria provided, multiple submitters, no conflicts (2 of 4 stars). 3 submissions from 3 submitters: Uncertain significance (3). Last evaluated 2024-09-10.

Conditions:
Hereditary cancer-predisposing syndrome. Also called: Neoplastic Syndromes, Hereditary; Hereditary Cancer Syndrome; Tumor predisposition; Hereditary neoplastic syndrome. Identifiers: Orphanet 140162, MedGen C0027672, MeSH D009386, MONDO:0015356.
Familial adenomatous polyposis 1 (FAP1). Also called: FAMILIAL ADENOMATOUS POLYPOSIS 1, ATTENUATED; POLYPOSIS, ADENOMATOUS INTESTINAL. Identifiers: MedGen C2713442, MONDO:0021056, OMIM 175100. Disease mechanism: loss of function.

Allele frequency attached by ClinVar (database versions not stated): gnomAD exomes below 0.00001.
gnomAD v4.1: 1 of 1,613,954 alleles (0.000062%); highest among the groups gnomAD compares: Non-Finnish European, 0.000085%; no homozygotes.

Submissions (3):

Ambry Genetics
Classification: Uncertain significance for Hereditary cancer-predisposing syndrome. Last evaluated: 2024-09-10. Review status: criteria provided, single submitter. Criteria: Ambry Variant Classification Scheme 2023. Collection method: clinical testing. Allele origin: germline.
Comment: The p.P2256Q variant (also known as c.6767C>A), located in coding exon 15 of the APC gene, results from a C to A substitution at nucleotide position 6767. The proline at codon 2256 is replaced by glutamine, an amino acid with similar properties. This amino acid position is conserved. In addition, in silico predictors for this gene do not accurately predict pathogenicity. Based on the available evidence, the clinical significance of this variant remains unclear.

Labcorp Genetics (formerly Invitae), Labcorp
Classification: Uncertain significance for Familial adenomatous polyposis 1. Last evaluated: 2023-12-19. Review status: criteria provided, single submitter. Criteria: Invitae Variant Classification Sherloc (09022015). Collection method: clinical testing. Allele origin: germline.
Comment: This sequence change replaces proline, which is neutral and non-polar, with glutamine, which is neutral and polar, at codon 2256 of the APC protein (p.Pro2256Gln). This variant is not present in population databases (gnomAD no frequency). This variant has not been reported in the literature in individuals affected with APC-related conditions. ClinVar contains an entry for this variant (Variation ID: 928633). Advanced modeling of protein sequence and biophysical properties (such as structural, functional, and spatial information, amino acid conservation, physicochemical variation, residue mobility, and thermodynamic stability) performed at Invitae indicates that this missense variant is not expected to disrupt APC protein function with a negative predictive value of 95%. In summary, the available evidence is currently insufficient to determine the role of this variant in disease. Therefore, it has been classified as a Variant of Uncertain Significance.

Women's Health and Genetics/Laboratory Corporation of America, LabCorp
Classification: Uncertain significance. Last evaluated: 2019-07-15. Review status: criteria provided, single submitter. Criteria: LabCorp Variant Classification Summary - May 2015. Collection method: clinical testing. Allele origin: germline.
Comment: Variant summary: APC c.6767C>A (p.Pro2256Gln) results in a non-conservative amino acid change located in the adenomatous polyposis coli protein basic domain (IPR009234) of the encoded protein sequence. Four of five in-silico tools predict a benign effect of the variant on protein function. The variant was absent in 251010 control chromosomes (gnomAD). The available data on variant occurrences in the general population are insufficient to allow any conclusion about variant significance. To our knowledge, no occurrence of c.6767C>A in individuals affected with Familial Adenomatous Polyposis and no experimental evidence demonstrating its impact on protein function have been reported. No submitters have provided clinical-significance assessments for this variant to ClinVar after 2014. Based on the evidence outlined above, the variant was classified as uncertain significance.

NM_000038.6(APC):c.6767C>A (p.Pro2256Gln)

Gene: APC (APC regulator of Wnt signaling pathway; plus strand). Cytogenetic location: 5q22.2.
Variant type: single nucleotide variant.
Coding change: c.6767C>A on transcript NM_000038.6 (MANE Select); coding-DNA position 6767, C replaced by A.
Protein change: p.Pro2256Gln; replaces proline 2256 with glutamine.
Molecular consequence: missense variant.
Genome position (GRCh38, 1-based): chr5:112,842,361, C>A. VCF-style: chr5-112842361-C-A. GRCh37 (hg19) VCF-style: chr5-112178058-C-A.
Other names: c.6767C>A, p.Pro2256Gln (NM_001127510.3, NM_001354895.2); c.6713C>A, p.Pro2238Gln (NM_001127511.3); c.6821C>A, p.Pro2274Gln (NM_001354896.2); c.6797C>A, p.Pro2266Gln (NM_001354897.2); c.6692C>A, p.Pro2231Gln (NM_001354898.2); c.6683C>A, p.Pro2228Gln (NM_001354899.2); c.6644C>A, p.Pro2215Gln (NM_001354900.2); c.6590C>A, p.Pro2197Gln (NM_001354901.2); and 5 more; short protein forms P1973Q, P2096Q, P2130Q, P2155Q, P2165Q, P2197Q, P2215Q, P2228Q.
Identifiers: ClinVar variation 928633 (VCV000928633.5), dbSNP rs1766296574, ClinGen allele CA16036113.